The following is an entry in ClinVar:

NM_001166108.2(PALLD):c.1965-12848C>G

Gene: PALLD (palladin, cytoskeletal associated protein; plus strand). Cytogenetic location: 4q32.3.
Variant type: single nucleotide variant.
Coding change: c.1965-12848C>G on transcript NM_001166108.2 (MANE Select); 12848 bases into the intron before coding-DNA position 1965, C replaced by G.
Molecular consequence: intron variant. On other transcripts: missense variant (1).
Genome position (GRCh38, 1-based): chr4:168,878,074, C>G. VCF-style: chr4-168878074-C-G. GRCh37 (hg19) VCF-style: chr4-169799225-C-G.
Other names: c.183C>G, p.Phe61Leu (NM_001166110.2); c.1965-12848C>G (NM_016081.4); c.819-12848C>G (NM_001166109.2); c.-157-12848C>G (NM_001367570.1, NM_001367568.1, NM_001367567.1 and 1 more transcripts); c.183C>G (NM_001166110.1); short protein forms F61L.
Identifiers: ClinVar variation 2726014 (VCV002726014.4), dbSNP rs568768082, ClinGen allele CA110515931.
Genomic context (GRCh38, chr4:168,878,074, plus strand): 5'-GGCCTCCAGCCCCAGCTCGTCCAGCCTCCCGTCGCCCATGTCCCCGACGCCGAGGCAGTT[C>G]GGCCGCGCCCCCGTGCCGCCCTTCGCGCAGCCCTTCGGCGCTGAGCCCGAGGCCCCGTGG-3'

ClinVar aggregate classification (germline): Uncertain significance. Review status: criteria provided, multiple submitters, no conflicts (2 of 4 stars). 2 submissions from 2 submitters: Uncertain significance (2). Last evaluated 2026-02-24.

Conditions:
Pancreatic adenocarcinoma. Identifiers: MedGen C0281361, MONDO:0006047, HP:0006725.

Allele frequency attached by ClinVar (database versions not stated): gnomAD 0.00001; gnomAD exomes 0.00001; 1000 Genomes Project 30x 0.00031; 1000 Genomes Project 0.00080.
gnomAD v4.1: 6 of 1,456,734 alleles (0.00041%); highest among the groups gnomAD compares: African/African-American, 0.0015%; no homozygotes.

Submissions (2):

Ambry Genetics
Classification: Uncertain significance. Last evaluated: 2026-02-24. Review status: criteria provided, single submitter. Criteria: Ambry Variant Classification Scheme 2023. Collection method: clinical testing. Allele origin: germline.
Comment: The p.F61L variant (also known as c.183C>G), located in coding exon 1 of the PALLD gene, results from a C to G substitution at nucleotide position 183. The phenylalanine at codon 61 is replaced by leucine, an amino acid with highly similar properties. This amino acid position is conserved. In addition, this alteration is predicted to be tolerated by in silico analysis. Based on the available evidence, the clinical significance of this variant remains unclear.

Labcorp Genetics (formerly Invitae), Labcorp
Classification: Uncertain significance for Pancreatic adenocarcinoma. Last evaluated: 2023-01-20. Review status: criteria provided, single submitter. Criteria: Invitae Variant Classification Sherloc (09022015). Collection method: clinical testing. Allele origin: germline.
Comment: In summary, the available evidence is currently insufficient to determine the role of this variant in disease. Therefore, it has been classified as a Variant of Uncertain Significance. Algorithms developed to predict the effect of missense changes on protein structure and function (SIFT, PolyPhen-2, Align-GVGD) all suggest that this variant is likely to be tolerated. This variant has not been reported in the literature in individuals affected with PALLD-related conditions. This variant is present in population databases (rs568768082, gnomAD 0.007%). This sequence change replaces phenylalanine, which is neutral and non-polar, with leucine, which is neutral and non-polar, at codon 61 of the PALLD protein (p.Phe61Leu).